The following is an entry in ClinVar:

ClinVar aggregate classification (germline): Uncertain significance (1 of 4 stars; one submission).

Conditions:
Hereditary sensory and autonomic neuropathy type 7. Also called: Neuropathy, hereditary sensory and autonomic, type VII; HSAN VII. Identifiers: Orphanet 391397, MedGen C3809882, MONDO:0014244, OMIM 615548.
Familial episodic pain syndrome with predominantly lower limb involvement. Also called: Episodic pain syndrome, familial, 3. Identifiers: Orphanet 391384, Orphanet 391392, MedGen C3809899, MONDO:0014247, OMIM 615552.

Allele frequency attached by ClinVar (database versions not stated): gnomAD exomes below 0.00001.
gnomAD v4.1: 5 of 1,611,984 alleles (0.00031%); highest among the groups gnomAD compares: Non-Finnish European, 0.00042%; no homozygotes.

Submission:

Labcorp Genetics (formerly Invitae), Labcorp
Classification: Uncertain significance for Familial episodic pain syndrome with predominantly lower limb involvement; Hereditary sensory and autonomic neuropathy type 7. Last evaluated: 2022-07-27. Review status: criteria provided, single submitter. Criteria: Invitae Variant Classification Sherloc (09022015). Collection method: clinical testing. Allele origin: germline.
Comment: This variant is present in population databases (no rsID available, gnomAD 0.0009%). This sequence change replaces isoleucine, which is neutral and non-polar, with threonine, which is neutral and polar, at codon 1086 of the SCN11A protein (p.Ile1086Thr). This variant has not been reported in the literature in individuals affected with SCN11A-related conditions. In summary, the available evidence is currently insufficient to determine the role of this variant in disease. Therefore, it has been classified as a Variant of Uncertain Significance. Algorithms developed to predict the effect of missense changes on protein structure and function (SIFT, PolyPhen-2, Align-GVGD) all suggest that this variant is likely to be disruptive.

NM_001349253.2(SCN11A):c.3257T>C (p.Ile1086Thr)

Gene: SCN11A (sodium voltage-gated channel alpha subunit 11; minus strand). Cytogenetic location: 3p22.2.
Variant type: single nucleotide variant.
Coding change: c.3257T>C on transcript NM_001349253.2 (MANE Select); coding-DNA position 3257, T replaced by C.
Protein change: p.Ile1086Thr; replaces isoleucine 1086 with threonine.
Molecular consequence: missense variant.
Genome position (GRCh38, 1-based): chr3:38,880,086, A>G on the plus strand (T>C on the coding strand, the complement: SCN11A is on the minus strand). VCF-style: chr3-38880086-A-G. GRCh37 (hg19) VCF-style: chr3-38921577-A-G.
Other names: c.3257T>C, p.Ile1086Thr (NM_014139.3); short protein forms I1086T.
Identifiers: ClinVar variation 2195586 (VCV002195586.4), dbSNP rs1424409604, ClinGen allele CA352172777.
Genomic context (GRCh38, chr3:38,880,086, plus strand): 5'-ACCATCTCCAGGATAAAAATATGTGTAAAAATAATGTCAGTACAATTTAGTAATTCTTGG[A>G]TTTTGGGTTGGTTCTCAAGGTGAACATCTTCAAATATCTGAAATGAAAAAGCATAGCCAT-3'
Protein context (NP_001336182.1, residues 1076-1096): EDVHLENQPK[Ile1086Thr]QELLNCTDII